The following is an entry in ClinVar:

NM_006282.5(STK4):c.1383G>C (p.Glu461Asp)

Gene: STK4 (serine/threonine kinase 4; plus strand). Cytogenetic location: 20q13.12.
Variant type: single nucleotide variant.
Coding change: c.1383G>C on transcript NM_006282.5 (MANE Select); coding-DNA position 1383, G replaced by C.
Protein change: p.Glu461Asp; replaces glutamic acid 461 with aspartic acid.
Molecular consequence: missense variant. On other transcripts: 3 prime UTR variant (1).
Genome position (GRCh38, 1-based): chr20:45,075,095, G>C. VCF-style: chr20-45075095-G-C. GRCh37 (hg19) VCF-style: chr20-43703736-G-C.
Other names: c.*89G>C (NM_001352385.2); short protein forms E461D.
Identifiers: ClinVar variation 655159 (VCV000655159.5), dbSNP rs771492682, ClinGen allele CA9874079.
Genomic context (GRCh38, chr20:45,075,095, plus strand): 5'-GGAGGACCTTCAGAAGAGGCTCTTGGCCCTGGACCCCATGATGGAGCAGGAGATTGAAGA[G>C]ATCCGGCAGAAGTACCAGTCCAAGCGGCAGCCCATCCTGGATGCCATAGAGGCTAAGAAG-3'
Protein context (NP_006273.1, residues 451-471): LDPMMEQEIE[Glu461Asp]IRQKYQSKRQ

ClinVar aggregate classification (germline): Uncertain significance (1 of 4 stars; one submission).

Conditions:
Combined immunodeficiency due to STK4 deficiency (IMD110). Also called: STK4 DEFICIENCY; MST1 DEFICIENCY; T-cell immunodeficiency, recurrent infections, and autoimmunity with or without cardiac malformations. Identifiers: Orphanet 314689, MedGen C3553943, MONDO:0013934, OMIM 614868.

Allele frequency attached by ClinVar (database versions not stated): ExAC 0.00001; gnomAD exomes 0.00002.
gnomAD v4.1: 42 of 1,614,214 alleles (0.0026%); highest among the groups gnomAD compares: Non-Finnish European, 0.0034%; no homozygotes.

Submission:

Labcorp Genetics (formerly Invitae), Labcorp
Classification: Uncertain significance for Combined immunodeficiency due to STK4 deficiency. Last evaluated: 2020-11-18. Review status: criteria provided, single submitter. Criteria: Invitae Variant Classification Sherloc (09022015). Collection method: clinical testing. Allele origin: germline.
Comment: In summary, the available evidence is currently insufficient to determine the role of this variant in disease. Therefore, it has been classified as a Variant of Uncertain Significance. Algorithms developed to predict the effect of missense changes on protein structure and function (SIFT, PolyPhen-2, Align-GVGD) all suggest that this variant is likely to be tolerated, but these predictions have not been confirmed by published functional studies and their clinical significance is uncertain. This variant has not been reported in the literature in individuals with STK4-related conditions. This variant is present in population databases (rs771492682, ExAC 0.002%). This sequence change replaces glutamic acid¬†with aspartic acid¬†at codon 461 of the STK4 protein (p.Glu461Asp). The glutamic acid residue is moderately conserved and there is a small physicochemical difference between glutamic acid and aspartic acid.